The following is an entry in ClinVar:

NM_004260.4(RECQL4):c.370G>C (p.Gly124Arg)

Gene: RECQL4 (RecQ like helicase 4; minus strand). Cytogenetic location: 8q24.3.
Variant type: single nucleotide variant.
Coding change: c.370G>C on transcript NM_004260.4 (MANE Select); coding-DNA position 370, G replaced by C.
Protein change: p.Gly124Arg; replaces glycine 124 with arginine.
Molecular consequence: missense variant. On other transcripts: intron variant (5), 5 prime UTR variant (13), non-coding transcript variant (3).
Genome position (GRCh38, 1-based): chr8:144,516,749, C>G on the plus strand (G>C on the coding strand, the complement: RECQL4 is on the minus strand). VCF-style: chr8-144516749-C-G. GRCh37 (hg19) VCF-style: chr8-145742133-C-G.
Other names: c.-614-88G>C (NM_001413035.1, NM_001413024.1); c.-367+301G>C (NM_001413021.1); c.370G>C, p.Gly124Arg (NM_001413017.1, NM_001413018.1, NM_001413019.1 and 4 more transcripts); c.-702G>C (NM_001413022.1, NM_001413023.1, NM_001413037.1 and 3 more transcripts); c.241G>C, p.Gly81Arg (NM_001413025.1); c.-764G>C (NM_001413027.1, NM_001413030.1, NM_001413031.1 and 1 more transcripts); c.-427G>C (NM_001413028.1); c.-606G>C (NM_001413034.1); and 3 more; short protein forms G124R, G81R.
Identifiers: ClinVar variation 4628926 (VCV004628926.1).
Genomic context (GRCh38, chr8:144,516,749, plus strand): 5'-CTGGGGGCTTTGGGGTGGATGCCTTAGATGAGGCTCTTCCTAGAGGCCACGGTCTGCGGC[C>G]CAGGGCTGGTCCGGCCTGGGAGGGGAACAACAGAACAGCAGGAGGAACTCAGGCCCCTGA-3'
Protein context (NP_004251.4, residues 114-134): KGTLQAGPAL[Gly124Arg]RRPWPLGRAS

ClinVar aggregate classification (germline): Uncertain significance (1 of 4 stars; one submission).

Conditions:
Inborn genetic diseases. Identifiers: MedGen C0950123, MeSH D030342.

Submission:

Ambry Genetics
Classification: Uncertain significance for Inborn genetic diseases. Last evaluated: 2025-09-20. Review status: criteria provided, single submitter. Criteria: Ambry Variant Classification Scheme 2023. Collection method: clinical testing. Allele origin: germline.
Comment: The p.G124R variant (also known as c.370G>C), located in coding exon 5 of the RECQL4 gene, results from a G to C substitution at nucleotide position 370. The glycine at codon 124 is replaced by arginine, an amino acid with dissimilar properties. This amino acid position is conserved. In addition, this alteration is predicted to be tolerated by in silico analysis. Based on the available evidence, the clinical significance of this variant remains unclear.